The following is an entry in ClinVar:

NM_001366385.1(CARD14):c.1380T>A (p.Ser460Arg)

Gene: CARD14 (caspase recruitment domain family member 14; plus strand). Cytogenetic location: 17q25.3.
Variant type: single nucleotide variant.
Coding change: c.1380T>A on transcript NM_001366385.1 (MANE Select); coding-DNA position 1380, T replaced by A.
Protein change: p.Ser460Arg; replaces serine 460 with arginine.
Molecular consequence: missense variant. On other transcripts: non-coding transcript variant (1).
Genome position (GRCh38, 1-based): chr17:80,195,214, T>A. VCF-style: chr17-80195214-T-A. GRCh37 (hg19) VCF-style: chr17-78169013-T-A.
Other names: c.1380T>A (NM_024110.3); c.1380T>A, p.Ser460Arg (NM_001257970.1, NM_024110.4); c.669T>A, p.Ser223Arg (NM_052819.3); short protein forms S460R, S223R.
Identifiers: ClinVar variation 1359851 (VCV001359851.9), dbSNP rs766077998, ClinGen allele CA8816808.
Genomic context (GRCh38, chr17:80,195,214, plus strand): 5'-GTGCGTGCCCCACTGACTTCTGCCCTCCCTCCTCCAGTCTCAGCTCTTGTCGGACCTGAG[T>A]GCCACGTCCAGCCGCGAGCTGGTGGACAGCTTCCGCTCCAGCAGCCCCGCGCCCCCCAGC-3'
Protein context (NP_001353314.1, residues 450-470): STESQLLSDL[Ser460Arg]ATSSRELVDS

ClinVar aggregate classification (germline): Uncertain significance. Review status: criteria provided, multiple submitters, no conflicts (2 of 4 stars). 2 submissions from 2 submitters: Uncertain significance (2). Last evaluated 2025-07-07.

Conditions:
Inborn genetic diseases. Identifiers: MedGen C0950123, MeSH D030342.
Pityriasis rubra pilaris (PRP). Also called: Pityriasis rubra pilaris--familial type. Identifiers: Orphanet 2897, MedGen C0032027, MONDO:0100017, OMIM 173200, MONDO:0008251.
Psoriasis 2. Identifiers: MedGen C1864497, MONDO:0011269, OMIM 602723.

Allele frequency attached by ClinVar (database versions not stated): ExAC 0.00001; gnomAD exomes 0.00001; gnomAD 0.00002 and 0.00003; TOPMed 0.00006.
gnomAD v4.1: 6 of 1,609,722 alleles (0.00037%); highest among the groups gnomAD compares: Admixed American, 0.0067%; no homozygotes.

Submissions (2):

Labcorp Genetics (formerly Invitae), Labcorp
Classification: Uncertain significance for Pityriasis rubra pilaris; Psoriasis 2. Last evaluated: 2025-07-07. Review status: criteria provided, single submitter. Criteria: Invitae Variant Classification Sherloc (09022015). Collection method: clinical testing. Allele origin: germline.
Comment: This sequence change replaces serine, which is neutral and polar, with arginine, which is basic and polar, at codon 460 of the CARD14 protein (p.Ser460Arg). This variant is present in population databases (rs766077998, gnomAD 0.003%). This variant has not been reported in the literature in individuals affected with CARD14-related conditions. ClinVar contains an entry for this variant (Variation ID: 1359851). Invitae Evidence Modeling of protein sequence and biophysical properties (such as structural, functional, and spatial information, amino acid conservation, physicochemical variation, residue mobility, and thermodynamic stability) indicates that this missense variant is not expected to disrupt CARD14 protein function with a negative predictive value of 95%. In summary, the available evidence is currently insufficient to determine the role of this variant in disease. Therefore, it has been classified as a Variant of Uncertain Significance.

Ambry Genetics
Classification: Uncertain significance for Inborn genetic diseases. Last evaluated: 2024-01-19. Review status: criteria provided, single submitter. Criteria: Ambry Variant Classification Scheme 2023. Collection method: clinical testing. Allele origin: germline.